The following is an entry in ClinVar:

NM_000038.6(APC):c.4505G>T (p.Cys1502Phe)

Gene: APC (APC regulator of Wnt signaling pathway; plus strand). Cytogenetic location: 5q22.2.
Variant type: single nucleotide variant.
Coding change: c.4505G>T on transcript NM_000038.6 (MANE Select); coding-DNA position 4505, G replaced by T.
Protein change: p.Cys1502Phe; replaces cysteine 1502 with phenylalanine.
Molecular consequence: missense variant.
Genome position (GRCh38, 1-based): chr5:112,840,099, G>T. VCF-style: chr5-112840099-G-T. GRCh37 (hg19) VCF-style: chr5-112175796-G-T.
Other names: c.4202G>T, p.Cys1401Phe (NM_001354903.2); c.4127G>T, p.Cys1376Phe (NM_001354904.2); c.4025G>T, p.Cys1342Phe (NM_001354905.2); c.3656G>T, p.Cys1219Phe (NM_001354906.2); c.4505G>T, p.Cys1502Phe (NM_001127510.3, NM_001354895.2); c.4451G>T, p.Cys1484Phe (NM_001127511.3); c.4559G>T, p.Cys1520Phe (NM_001354896.2); c.4535G>T, p.Cys1512Phe (NM_001354897.2); and 5 more; short protein forms C1484F, C1502F, C1342F, C1401F, C1411F, C1477F, C1461F, C1520F.
Identifiers: ClinVar variation 236600 (VCV000236600.10), dbSNP rs878853446, ClinGen allele CA10582314.

ClinVar aggregate classification (germline): Uncertain significance (1 of 4 stars; one submission).

Conditions:
Familial adenomatous polyposis 1 (FAP1). Also called: FAMILIAL ADENOMATOUS POLYPOSIS 1, ATTENUATED; POLYPOSIS, ADENOMATOUS INTESTINAL. Identifiers: MedGen C2713442, MONDO:0021056, OMIM 175100. Disease mechanism: loss of function.

Allele frequency attached by ClinVar (database versions not stated): gnomAD exomes below 0.00001; TOPMed below 0.00001.
gnomAD v4.1: 3 of 1,614,068 alleles (0.00019%); highest among the groups gnomAD compares: Non-Finnish European, 0.00025%; no homozygotes.

Submission:

Labcorp Genetics (formerly Invitae), Labcorp
Classification: Uncertain significance for Familial adenomatous polyposis 1. Last evaluated: 2021-01-26. Review status: criteria provided, single submitter. Criteria: Invitae Variant Classification Sherloc (09022015). Collection method: clinical testing. Allele origin: germline.
Comment: In summary, this variant is a rare missense change with uncertain impact on protein function. There is no indication that it causes disease, but the available evidence is currently insufficient to prove that conclusively. Therefore, it has been classified as a Variant of Uncertain Significance. Algorithms developed to predict the effect of missense changes on protein structure and function do not agree on the potential impact of this missense change (SIFT: "Tolerated"; PolyPhen-2: "Probably Damaging"; Align-GVGD: "Class C15"). This variant is not present in population databases (ExAC no frequency) and has not been reported in the literature in individuals with an APC-related disease. ClinVar contains an entry for this variant (Variation ID: 236600). This sequence change replaces cysteine with phenylalanine at codon 1502 of the APC protein (p.Cys1502Phe). The cysteine residue is highly conserved and there is a large physicochemical difference between cysteine and phenylalanine.